The following is an entry in ClinVar:

NM_007144.3(PCGF2):c.64G>T (p.Gly22Trp)

Gene: PCGF2 (polycomb group ring finger 2; minus strand). Cytogenetic location: 17q12.
Variant type: single nucleotide variant.
Coding change: c.64G>T on transcript NM_007144.3 (MANE Select); coding-DNA position 64, G replaced by T.
Protein change: p.Gly22Trp; replaces glycine 22 with tryptophan.
Molecular consequence: missense variant.
Genome position (GRCh38, 1-based): chr17:38,740,339, C>A on the plus strand (G>T on the coding strand, the complement: PCGF2 is on the minus strand). VCF-style: chr17-38740339-C-A. GRCh37 (hg19) VCF-style: chr17-36896592-C-A.
Other names: c.64G>T, p.Gly22Trp (NM_001369614.1, NM_001369615.1); short protein forms G22W.
Identifiers: ClinVar variation 2871219 (VCV002871219.3), dbSNP rs752723799, ClinGen allele CA398823449.

ClinVar aggregate classification (germline): Uncertain significance (1 of 4 stars; one submission).

gnomAD v4.1: 2 of 1,610,646 alleles (0.00012%); highest among the groups gnomAD compares: Non-Finnish European, 0.00017%; no homozygotes.

Submission:

Labcorp Genetics (formerly Invitae), Labcorp
Classification: Uncertain significance. Last evaluated: 2025-07-15. Review status: criteria provided, single submitter. Criteria: Invitae Variant Classification Sherloc (09022015). Collection method: clinical testing. Allele origin: germline.
Comment: This sequence change replaces glycine, which is neutral and non-polar, with tryptophan, which is neutral and slightly polar, at codon 22 of the PCGF2 protein (p.Gly22Trp). This variant is not present in population databases (gnomAD no frequency). This variant has not been reported in the literature in individuals affected with PCGF2-related conditions. ClinVar contains an entry for this variant (Variation ID: 2871219). Invitae Evidence Modeling of protein sequence and biophysical properties (such as structural, functional, and spatial information, amino acid conservation, physicochemical variation, residue mobility, and thermodynamic stability) indicates that this missense variant is expected to disrupt PCGF2 protein function with a positive predictive value of 80%. In summary, the available evidence is currently insufficient to determine the role of this variant in disease. Therefore, it has been classified as a Variant of Uncertain Significance.